The following is an entry in ClinVar:

ClinVar aggregate classification (germline): Uncertain significance (1 of 4 stars; one submission).

Conditions:
Lissencephaly due to TUBA1A mutation (CDCBM16). Also called: CORTICAL DYSPLASIA, COMPLEX, WITH OTHER BRAIN MALFORMATIONS 16; Lissencephaly 3. Identifiers: Orphanet 171680, MedGen C4305153, MONDO:0012703, OMIM 611603.

Submission:

Victorian Clinical Genetics Services, Murdoch Childrens Research Institute
Classification: Uncertain significance for Lissencephaly due to TUBA1A mutation. Last evaluated: 2020-05-26. Review status: criteria provided, single submitter. Criteria: ACMG Guidelines, 2015. Collection method: clinical testing. Allele origin: germline. Inheritance: Autosomal dominant inheritance. Affected: yes.
Comment: Based on the classification scheme VCGS_Germline_v1.1.1, this variant is classified as VUS – 3A. Following criteria are met: 0102 - Loss-of-function is a known mechanism of disease for this gene. (N) 0104 - Dominant Negative is a mechanism of disease for this gene. (N) 0107 - This gene is known to be associated with autosomal dominant disease. (N) 0200 - Variant is predicted to result in a missense amino acid change from glutamic acid to lysine (exon 4). (N) 0251 - Variant is heterozygous. (N) 0301 - Variant is absent from gnomAD. (P) 0501 - Missense variant consistently predicted to be damaging by multiple in silico tools or highly conserved with a major amino acid change. (P) 0603 - Missense variant in a region that is highly intolerant to missense variation (high constraint region). (P) 0705 - No comparable variants have previous evidence for pathogenicity. (N) 0807 - Variant has not previously been reported in a clinical context. (N) 0905 - No segregation evidence has been identified for this variant. (N) 1007 - No published functional evidence has been identified for this variant. (N) 1208 - Inheritance information for this variant is not currently available. (N) Legend: (P) - Pathogenic, (N) - Neutral, (B) - Benign

NM_006009.4(TUBA1A):c.889G>A (p.Glu297Lys)

Gene: TUBA1A (tubulin alpha 1a; minus strand). Cytogenetic location: 12q13.12.
Variant type: single nucleotide variant.
Coding change: c.889G>A on transcript NM_006009.4 (MANE Select); coding-DNA position 889, G replaced by A.
Protein change: p.Glu297Lys; replaces glutamic acid 297 with lysine.
Molecular consequence: missense variant.
Genome position (GRCh38, 1-based): chr12:49,185,477, C>T on the plus strand (G>A on the coding strand, the complement: TUBA1A is on the minus strand). VCF-style: chr12-49185477-C-T. GRCh37 (hg19) VCF-style: chr12-49579260-C-T.
Other names: c.889G>A, p.Glu297Lys (NM_001270399.2); c.784G>A, p.Glu262Lys (NM_001270400.2); short protein forms E262K, E297K.
Identifiers: ClinVar variation 1805565 (VCV001805565.1), dbSNP rs2498860061, ClinGen allele CA384638801.
Genomic context (GRCh38, chr12:49,185,477, plus strand): 5'-GGCAGCAAGCCATGTATTTACCATGGCGAGGGTCACATTTCACCATCTGGTTGGCTGGCT[C>T]AAAGCAAGCATTGGTGATCTCTGCTACAGAAAGCTGTTCATGGTAGGCTTTCTCAGCAGA-3'
Protein context (NP_006000.2, residues 287-307): SVAEITNACF[Glu297Lys]PANQMVKCDP